The following is an entry in ClinVar:

ClinVar aggregate classification (germline): Uncertain significance (1 of 4 stars; one submission).

Submission:

ARUP Laboratories, Molecular Genetics and Genomics, ARUP Laboratories
Classification: Uncertain significance. Last evaluated: 2018-02-18. Review status: criteria provided, single submitter. Criteria: ARUP Molecular Germline Variant Investigation Process. Collection method: clinical testing. Allele origin: germline.
Comment: The m. 4597T>C variant affects the MT-ND2 gene, which encodes a subunit of the mitochondrial complex I. Although this variant is not reported in the MITOMAP database, it also has not been associated with a mitochondrial disorder, and the nucleotide altered by this variant is weakly conserved (Alamut software v2.10.0). Due to limited information, the clinical significance of the m. 4597T>C variant is uncertain.

NC_012920.1:m.4597T>C

Gene: MT-ND2 (mitochondrially encoded NADH dehydrogenase 2; plus strand).
Variant type: single nucleotide variant.
Genome position: chrM-4597-T-C.
Identifiers: ClinVar variation 618727 (VCV000618727.8), dbSNP rs1569483945, ClinGen allele CA414774883.